The following is an entry in ClinVar:

ClinVar aggregate classification (germline): Likely benign. Review status: criteria provided, multiple submitters, no conflicts (2 of 4 stars). 4 submissions from 3 submitters: Likely benign (4). Last evaluated 2024-01-18.

Conditions:
Usher syndrome type 2A. Also called: RETINAL DISEASE IN USHER SYNDROME TYPE IIA, MODIFIER OF; USHER SYNDROME, TYPE IIA. Identifiers: Orphanet 231178, Orphanet 886, MedGen C1848634, MONDO:0010169, OMIM 276901.
Retinitis pigmentosa 39 (RP39). Identifiers: Orphanet 791, MedGen C3151138, MONDO:0013436, OMIM 613809.

Allele frequency attached by ClinVar (database versions not stated): ExAC 0.00002; gnomAD exomes 0.00003; gnomAD 0.00004; TOPMed 0.00005.
gnomAD v4.1: 36 of 1,614,038 alleles (0.0022%); highest among the groups gnomAD compares: Middle Eastern, 0.016%; no homozygotes.

Submissions (4):

Labcorp Genetics (formerly Invitae), Labcorp
Classification: Likely benign. Last evaluated: 2024-01-18. Review status: criteria provided, single submitter. Criteria: Invitae Variant Classification Sherloc (09022015). Collection method: clinical testing. Allele origin: germline.

Genome-Nilou Lab
Classification: Likely benign for Retinitis pigmentosa 39. Last evaluated: 2023-11-04. Review status: criteria provided, single submitter. Criteria: ACMG Guidelines, 2015. Collection method: clinical testing. Allele origin: germline. Affected: no.

Genome-Nilou Lab
Classification: Likely benign for Usher syndrome type 2A. Last evaluated: 2023-11-04. Review status: criteria provided, single submitter. Criteria: ACMG Guidelines, 2015. Collection method: clinical testing. Allele origin: germline. Affected: no.

Laboratory for Molecular Medicine, Mass General Brigham Personalized Medicine
Classification: Likely benign. Last evaluated: 2015-11-16. Review status: criteria provided, single submitter. Criteria: LMM Criteria. Collection method: clinical testing. Allele origin: germline. Observed: 1 variant allele.
Comment: p.Asp2255Asp in exon 35 of USH2A: This variant is not expected to have clinical significance because it does not alter an amino acid residue and is not located within the splice consensus sequence. It has been identified in 3/66738 of Europ ean chromosomes by the Exome Aggregation Consortium (ExAC).

NM_206933.4(USH2A):c.6765C>T (p.Asp2255=)

Gene: USH2A (usherin; minus strand). Cytogenetic location: 1q41.
Variant type: single nucleotide variant.
Coding change: c.6765C>T on transcript NM_206933.4 (MANE Select); coding-DNA position 6765, C replaced by T.
Protein change: p.Asp2255=; no amino-acid change (aspartic acid 2255 retained).
Molecular consequence: synonymous variant.
Genome position (GRCh38, 1-based): chr1:215,993,060, G>A on the plus strand (C>T on the coding strand, the complement: USH2A is on the minus strand). VCF-style: chr1-215993060-G-A. GRCh37 (hg19) VCF-style: chr1-216166402-G-A.
Identifiers: ClinVar variation 228221 (VCV000228221.16), dbSNP rs767205760, ClinGen allele CA1395043.